The following is an entry in ClinVar:

ClinVar aggregate classification (germline): Uncertain significance (1 of 4 stars; one submission).

Conditions:
Desmin-related myofibrillar myopathy (MFM1). Also called: Desmin related myopathy (former name); Desmin storage myopathy (former name); Desminopathy; Myofibrillar myopathy 1; MYOFIBRILLAR MYOPATHY WITH ARRHYTHMOGENIC RIGHT VENTRICULAR CARDIOMYOPATHY; DESMIN-RELATED MYOPATHY WITH ARRHYTHMOGENIC RIGHT VENTRICULAR CARDIOMYOPATHY. Identifiers: Orphanet 363543, Orphanet 98909, MedGen C1832370, MONDO:0011076, OMIM 601419.

Allele frequency attached by ClinVar (database versions not stated): TOPMed below 0.00001; gnomAD exomes 0.00001.
gnomAD v4.1: 7 of 1,569,104 alleles (0.00045%); highest among the groups gnomAD compares: Non-Finnish European, 0.0006%; no homozygotes.

Submission:

Labcorp Genetics (formerly Invitae), Labcorp
Classification: Uncertain significance for Desmin-related myofibrillar myopathy. Last evaluated: 2023-10-08. Review status: criteria provided, single submitter. Criteria: Invitae Variant Classification Sherloc (09022015). Collection method: clinical testing. Allele origin: germline.
Comment: This sequence change replaces threonine, which is neutral and polar, with methionine, which is neutral and non-polar, at codon 79 of the DES protein (p.Thr79Met). This variant is not present in population databases (gnomAD no frequency). This variant has not been reported in the literature in individuals affected with DES-related conditions. ClinVar contains an entry for this variant (Variation ID: 2158698). Advanced modeling of protein sequence and biophysical properties (such as structural, functional, and spatial information, amino acid conservation, physicochemical variation, residue mobility, and thermodynamic stability) has been performed at Invitae for this missense variant, however the output from this modeling did not meet the statistical confidence thresholds required to predict the impact of this variant on DES protein function. In summary, the available evidence is currently insufficient to determine the role of this variant in disease. Therefore, it has been classified as a Variant of Uncertain Significance.

NM_001927.4(DES):c.236C>T (p.Thr79Met)

Gene: DES (desmin; plus strand). Cytogenetic location: 2q35.
Variant type: single nucleotide variant.
Coding change: c.236C>T on transcript NM_001927.4 (MANE Select); coding-DNA position 236, C replaced by T.
Protein change: p.Thr79Met; replaces threonine 79 with methionine.
Molecular consequence: missense variant.
Genome position (GRCh38, 1-based): chr2:219,418,698, C>T. VCF-style: chr2-219418698-C-T. GRCh37 (hg19) VCF-style: chr2-220283420-C-T.
Other names: c.236C>T, p.Thr79Met (NM_001382708.1, NM_001382709.1, NM_001382710.1 and 3 more transcripts); short protein forms T79M.
Identifiers: ClinVar variation 2158698 (VCV002158698.3), dbSNP rs1954368669, ClinGen allele CA350684312.